The following is an entry in ClinVar:

NM_080680.3(COL11A2):c.3295G>C (p.Gly1099Arg)

Gene: COL11A2 (collagen type XI alpha 2 chain; minus strand). Cytogenetic location: 6p21.32.
Variant type: single nucleotide variant.
Coding change: c.3295G>C on transcript NM_080680.3 (MANE Select); coding-DNA position 3295, G replaced by C.
Protein change: p.Gly1099Arg; replaces glycine 1099 with arginine.
Molecular consequence: missense variant.
Genome position (GRCh38, 1-based): chr6:33,171,288, C>G on the plus strand (G>C on the coding strand, the complement: COL11A2 is on the minus strand). VCF-style: chr6-33171288-C-G. GRCh37 (hg19) VCF-style: chr6-33139065-C-G.
Other names: c.3115G>C, p.Gly1039Arg (NM_001424108.1); c.2449G>C, p.Gly817Arg (NM_001424109.1); c.2269G>C, p.Gly757Arg (NM_001424110.1, NM_001424111.1); c.1249G>C, p.Gly417Arg (NM_001424112.1); c.2974G>C, p.Gly992Arg (NM_080679.3); c.3037G>C, p.Gly1013Arg (NM_080681.3); short protein forms G1013R, G1039R, G1099R, G417R, G757R, G817R, G992R.
Identifiers: ClinVar variation 3336497 (VCV003336497.2).
Genomic context (GRCh38, chr6:33,171,288, plus strand): 5'-GTTAAAGGCCAGGAGGTCAGAAGTCAAGGTCATGGACACTTACATGTTCACCCTTGTTCC[C>G]TTTGGTGCCCTTCTGTCCGGGGTCCCCCACCTCACCCTGGGAGGAGAAGGCAGACAAGAT-3'
Protein context (NP_542411.2, residues 1089-1109): VGDPGQKGTK[Gly1099Arg]NKGEHGPPGP

ClinVar aggregate classification (germline): Conflicting classifications of pathogenicity. Review status: criteria provided, conflicting classifications (1 of 4 stars). 2 submissions from 2 submitters: Likely pathogenic (1); Uncertain significance (1). Last evaluated 2024-05-22.

Conditions:
Autosomal recessive nonsyndromic hearing loss 53. Identifiers: Orphanet 90636, MedGen C1864746, MONDO:0012333, OMIM 609706.
Autosomal dominant nonsyndromic hearing loss 13. Identifiers: Orphanet 90635, MedGen C1866095, MONDO:0011159, OMIM 601868.
Otospondylomegaepiphyseal dysplasia, autosomal recessive (OSMEDB). Also called: CHONDRODYSTROPHY WITH SENSORINEURAL DEAFNESS; Insley-Astley syndrome. Identifiers: Orphanet 1427, MedGen CN034493, MONDO:0044206, OMIM 215150.
Fibrochondrogenesis 2 (FBCG2). Identifiers: Orphanet 2021, MedGen C3281128, MONDO:0013795, OMIM 614524.
Otospondylomegaepiphyseal dysplasia, autosomal dominant (OSMEDA). Also called: Pierre Robin syndrome with fetal chondrodysplasia; Stickler syndrome, type 3; COL11A2-Related Stickler Syndrome. Identifiers: Orphanet 166100, Orphanet 3450, MedGen C1848488, MONDO:0008490, OMIM 184840.

Submissions (2):

Fulgent Genetics
Classification: Likely pathogenic for Otospondylomegaepiphyseal dysplasia, autosomal dominant; Otospondylomegaepiphyseal dysplasia, autosomal recessive; Autosomal dominant nonsyndromic hearing loss 13; Autosomal recessive nonsyndromic hearing loss 53; Fibrochondrogenesis 2. Last evaluated: 2024-05-22. Review status: criteria provided, single submitter. Criteria: ACMG Guidelines, 2015. Collection method: clinical testing. Allele origin: germline.

Women's Health and Genetics/Laboratory Corporation of America, LabCorp
Classification: Uncertain significance. Last evaluated: 2024-05-20. Review status: criteria provided, single submitter. Criteria: LabCorp Variant Classification Summary - May 2015. Collection method: clinical testing. Allele origin: germline.
Comment: Variant summary: COL11A2 c.3295G>C (p.Gly1099Arg) results in a non-conservative amino acid change in the encoded protein sequence. Five of five in-silico tools predict a damaging effect of the variant on protein function. The variant was absent in 251464 control chromosomes. The available data on variant occurrences in the general population are insufficient to allow any conclusion about variant significance. To our knowledge, no occurrence of c.3295G>C in individuals affected with COL11A2-Related Disorders and no experimental evidence demonstrating its impact on protein function have been reported. No submitters have cited clinical-significance assessments for this variant to ClinVar. Based on the evidence outlined above, the variant was classified as uncertain significance.